The following is an entry in ClinVar:

NM_003482.4(KMT2D):c.15468C>T (p.Tyr5156=)

Gene: KMT2D (lysine methyltransferase 2D; minus strand). Cytogenetic location: 12q13.12.
Variant type: single nucleotide variant.
Coding change: c.15468C>T on transcript NM_003482.4 (MANE Select); coding-DNA position 15468, C replaced by T.
Protein change: p.Tyr5156=; no amino-acid change (tyrosine 5156 retained).
Molecular consequence: synonymous variant.
Genome position (GRCh38, 1-based): chr12:49,026,498, G>A on the plus strand (C>T on the coding strand, the complement: KMT2D is on the minus strand). VCF-style: chr12-49026498-G-A. GRCh37 (hg19) VCF-style: chr12-49420281-G-A.
Identifiers: ClinVar variation 2733801 (VCV002733801.5), dbSNP rs745310921, ClinGen allele CA6545559.

ClinVar aggregate classification (germline): Benign. Review status: criteria provided, single submitter (1 of 4 stars). 2 submissions from 2 submitters: Benign (1). 1 of the submissions does not count toward it. Last evaluated 2025-04-13.

Conditions:
KMT2D-related disorder. Also called: KMT2D-Related Disorders.
Kabuki syndrome. Also called: NIIKAWA-KUROKI SYNDROME; Kabuki make-up syndrome. Identifiers: Orphanet 2322, MedGen C0796004, MONDO:0016512.

Allele frequency attached by ClinVar (database versions not stated): TOPMed 0.00001; ExAC 0.00009; gnomAD exomes 0.00006.
gnomAD v4.1: 37 of 1,613,924 alleles (0.0023%); highest among the groups gnomAD compares: Admixed American, 0.053%; no homozygotes.

Submissions (2):

Labcorp Genetics (formerly Invitae), Labcorp
Classification: Benign for Kabuki syndrome. Last evaluated: 2025-04-13. Review status: criteria provided, single submitter. Criteria: Invitae Variant Classification Sherloc (09022015). Collection method: clinical testing. Allele origin: germline.

PreventionGenetics, part of Exact Sciences
Classification: Likely benign for KMT2D-related condition. Last evaluated: 2021-03-25. Review status: no assertion criteria provided. Collection method: clinical testing. Allele origin: germline. Not counted in ClinVar's aggregate classification.
Comment: This variant is classified as likely benign based on ACMG/AMP sequence variant interpretation guidelines (Richards et al. 2015 PMID: 25741868, with internal and published modifications).